The following is an entry in ClinVar:

ClinVar aggregate classification (germline): Uncertain significance (1 of 4 stars; one submission).

Allele frequency attached by ClinVar (database versions not stated): gnomAD exomes below 0.00001.
gnomAD v4.1: 1 of 1,614,164 alleles (0.000062%); highest among the groups gnomAD compares: Non-Finnish European, 0.000085%; no homozygotes.

Submission:

Ambry Genetics
Classification: Uncertain significance. Last evaluated: 2024-01-14. Review status: criteria provided, single submitter. Criteria: Ambry Variant Classification Scheme 2023. Collection method: clinical testing. Allele origin: germline.
Comment: The p.I414F variant (also known as c.1240A>T), located in coding exon 12 of the KIF1B gene, results from an A to T substitution at nucleotide position 1240. The isoleucine at codon 414 is replaced by phenylalanine, an amino acid with highly similar properties. This amino acid position is conserved. In addition, the in silico prediction for this alteration is inconclusive. Since supporting evidence is limited at this time, the clinical significance of this alteration remains unclear.

NM_001365951.3(KIF1B):c.1378A>T (p.Ile460Phe)

Gene: KIF1B (kinesin family member 1B; plus strand). Cytogenetic location: 1p36.22.
Variant type: single nucleotide variant.
Coding change: c.1378A>T on transcript NM_001365951.3 (MANE Select); coding-DNA position 1378, A replaced by T.
Protein change: p.Ile460Phe; replaces isoleucine 460 with phenylalanine.
Molecular consequence: missense variant.
Genome position (GRCh38, 1-based): chr1:10,282,477, A>T. VCF-style: chr1-10282477-A-T. GRCh37 (hg19) VCF-style: chr1-10342535-A-T.
Other names: c.1378A>T, p.Ile460Phe (NM_001365952.1); c.1240A>T, p.Ile414Phe (NM_001365953.1, NM_015074.3, NM_183416.4); short protein forms I414F, I460F.
Identifiers: ClinVar variation 3226344 (VCV003226344.1), dbSNP rs1649460163, ClinGen allele CA338336471.